The following is an entry in ClinVar:

NM_001134363.3(RBM20):c.839A>G (p.Lys280Arg)

Gene: RBM20 (RNA binding motif protein 20; plus strand). Cytogenetic location: 10q25.2.
Variant type: single nucleotide variant.
Coding change: c.839A>G on transcript NM_001134363.3 (MANE Select); coding-DNA position 839, A replaced by G.
Protein change: p.Lys280Arg; replaces lysine 280 with arginine.
Molecular consequence: missense variant.
Genome position (GRCh38, 1-based): chr10:110,781,448, A>G. VCF-style: chr10-110781448-A-G. GRCh37 (hg19) VCF-style: chr10-112541206-A-G.
Other names: short protein forms K280R.
Identifiers: ClinVar variation 1311756 (VCV001311756.5), dbSNP rs2135043435, ClinGen allele CA378383717.

ClinVar aggregate classification (germline): Uncertain significance. Review status: criteria provided, multiple submitters, no conflicts (2 of 4 stars). 2 submissions from 2 submitters: Uncertain significance (2). Last evaluated 2023-04-27.

Conditions:
Dilated cardiomyopathy 1DD (CMD1DD). Identifiers: Orphanet 154, MedGen C2750995, MONDO:0013168, OMIM 613172.

Allele frequency attached by ClinVar (database versions not stated): gnomAD exomes below 0.00001.
gnomAD v4.1: 4 of 1,551,612 alleles (0.00026%); highest among the groups gnomAD compares: Non-Finnish European, 0.00026%; no homozygotes.

Submissions (2):

Labcorp Genetics (formerly Invitae), Labcorp
Classification: Uncertain significance for Dilated cardiomyopathy 1DD. Last evaluated: 2023-04-27. Review status: criteria provided, single submitter. Criteria: Invitae Variant Classification Sherloc (09022015). Collection method: clinical testing. Allele origin: germline.
Comment: In summary, the available evidence is currently insufficient to determine the role of this variant in disease. Therefore, it has been classified as a Variant of Uncertain Significance. Advanced modeling of protein sequence and biophysical properties (such as structural, functional, and spatial information, amino acid conservation, physicochemical variation, residue mobility, and thermodynamic stability) performed at Invitae indicates that this missense variant is not expected to disrupt RBM20 protein function. ClinVar contains an entry for this variant (Variation ID: 1311756). This variant has not been reported in the literature in individuals affected with RBM20-related conditions. This variant is not present in population databases (gnomAD no frequency). This sequence change replaces lysine, which is basic and polar, with arginine, which is basic and polar, at codon 280 of the RBM20 protein (p.Lys280Arg).

GeneDx
Classification: Uncertain significance. Last evaluated: 2020-01-08. Review status: criteria provided, single submitter. Criteria: GeneDx Variant Classification Process June 2021. Collection method: clinical testing. Allele origin: germline. Affected: yes.
Comment: Has not been previously published as pathogenic or benign to our knowledge; Not observed in large population cohorts (Lek et al., 2016); In silico analysis, which includes protein predictors and evolutionary conservation, supports that this variant does not alter protein structure/function